The following is an entry in ClinVar:

NM_001430.5(EPAS1):c.224C>G (p.Ser75Cys)

Gene: EPAS1 (endothelial PAS domain protein 1; plus strand). Cytogenetic location: 2p21.
Variant type: single nucleotide variant.
Coding change: c.224C>G on transcript NM_001430.5 (MANE Select); coding-DNA position 224, C replaced by G.
Protein change: p.Ser75Cys; replaces serine 75 with cysteine.
Molecular consequence: missense variant.
Genome position (GRCh38, 1-based): chr2:46,356,157, C>G. VCF-style: chr2-46356157-C-G. GRCh37 (hg19) VCF-style: chr2-46583296-C-G.
Other names: short protein forms S75C.
Identifiers: ClinVar variation 2565063 (VCV002565063.2), dbSNP rs267599391, ClinGen allele CA346697675.
Genomic context (GRCh38, chr2:46,356,157, plus strand): 5'-CATCTGTTTTCACTCCACATTCATGCAAGCTGTCCCACCCCCCCCCCTTTCCAGTTTGCT[C>G]TGAAAACGAGTCCGAAGCCGAAGCTGACCAGCAGATGGACAACTTGTACCTGAAAGCCTT-3'
Protein context (NP_001421.2, residues 65-85): RTHKLLSSVC[Ser75Cys]ENESEAEADQ

ClinVar aggregate classification (germline): Uncertain significance (1 of 4 stars; one submission).

Conditions:
Inborn genetic diseases. Identifiers: MedGen C0950123, MeSH D030342.

Submission:

Ambry Genetics
Classification: Uncertain significance for Inborn genetic diseases. Last evaluated: 2023-04-23. Review status: criteria provided, single submitter. Criteria: Ambry Variant Classification Scheme 2023. Collection method: clinical testing. Allele origin: germline.
Comment: The p.S75C variant (also known as c.224C>G), located in coding exon 3 of the EPAS1 gene, results from a C to G substitution at nucleotide position 224. The serine at codon 75 is replaced by cysteine, an amino acid with dissimilar properties. This amino acid position is conserved. In addition, this alteration is predicted to be tolerated by in silico analysis. Since supporting evidence is limited at this time, the clinical significance of this alteration remains unclear.